The following is an entry in ClinVar:

ClinVar aggregate classification (germline): Pathogenic (1 of 4 stars; one submission).

Conditions:
Growth hormone insensitivity with immune dysregulation 1, autosomal recessive. Also called: GROWTH HORMONE INSENSITIVITY SYNDROME WITH IMMUNE DYSREGULATION 1, AUTOSOMAL RECESSIVE; GROWTH HORMONE INSENSITIVITY DUE TO POSTRECEPTOR DEFECT; LARON SYNDROME DUE TO POSTRECEPTOR DEFECT; Laron syndrome with immunodeficiency. Identifiers: Orphanet 220465, MedGen C5435698, MONDO:0100211, OMIM 245590.

Submission:

Labcorp Genetics (formerly Invitae), Labcorp
Classification: Pathogenic for Growth hormone insensitivity with immune dysregulation 1, autosomal recessive. Last evaluated: 2024-02-26. Review status: criteria provided, single submitter. Criteria: Invitae Variant Classification Sherloc (09022015). Collection method: clinical testing. Allele origin: germline.
Comment: This sequence change creates a premature translational stop signal (p.Gln6*) in the STAT5B gene. It is expected to result in an absent or disrupted protein product. Loss-of-function variants in STAT5B are known to be pathogenic (PMID: 15827093). This variant is not present in population databases (gnomAD no frequency). This variant has not been reported in the literature in individuals affected with STAT5B-related conditions. ClinVar contains an entry for this variant (Variation ID: 2018391). For these reasons, this variant has been classified as Pathogenic.

Literature cited by the submitters: PubMed 15827093.

NM_012448.4(STAT5B):c.16C>T (p.Gln6Ter)

Gene: STAT5B (signal transducer and activator of transcription 5B; minus strand). Cytogenetic location: 17q21.2.
Variant type: single nucleotide variant.
Coding change: c.16C>T on transcript NM_012448.4 (MANE Select); coding-DNA position 16, C replaced by T.
Protein change: p.Gln6Ter; replaces glutamine 6 with a stop codon.
Molecular consequence: nonsense.
Genome position (GRCh38, 1-based): chr17:42,232,112, G>A on the plus strand (C>T on the coding strand, the complement: STAT5B is on the minus strand). VCF-style: chr17-42232112-G-A. GRCh37 (hg19) VCF-style: chr17-40384130-G-A.
Other names: short protein forms Q6*.
Identifiers: ClinVar variation 2018391 (VCV002018391.4), dbSNP rs2508803926, ClinGen allele CA399594316.